The following is an entry in ClinVar:

ClinVar aggregate classification (germline): Uncertain significance. Review status: criteria provided, multiple submitters, no conflicts (2 of 4 stars). 2 submissions from 2 submitters: Uncertain significance (2). Last evaluated 2023-11-02.

Conditions:
Familial thoracic aortic aneurysm and aortic dissection (TAAD). Also called: Thoracic aortic aneurysms and dissections. Identifiers: Orphanet 91387, MedGen C4707243, MONDO:0019625.
Marfan syndrome (MFS). Also called: Marfan's syndrome; Marfan syndrome, classic; MARFAN SYNDROME, TYPE I; Marfan syndrome type 1; FBN1-Related Marfan Syndrome. Identifiers: Orphanet 284963, Orphanet 558, MedGen C0024796, MONDO:0007947, OMIM 154700.

Submissions (2):

All of Us Research Program, National Institutes of Health
Classification: Uncertain significance for Marfan syndrome. Last evaluated: 2023-11-02. Review status: criteria provided, single submitter. Criteria: ACMG Guidelines, 2015. Collection method: clinical testing. Allele origin: germline. Inheritance: Autosomal dominant inheritance. Observed: 1 variant allele, 1 heterozygote.
Comment: This missense variant replaces isoleucine with methionine at codon 547 of the FBN1 protein. Computational prediction suggests that this variant may not impact protein structure and function (internally defined REVEL score threshold <= 0.5, PMID: 27666373). To our knowledge, functional studies have not been reported for this variant. This variant has not been reported in individuals affected with FBN1-related disorders in the literature. This variant has not been identified in the general population by the Genome Aggregation Database (gnomAD). The available evidence is insufficient to determine the role of this variant in disease conclusively. Therefore, this variant is classified as a Variant of Uncertain Significance.

This study involves interpretation of variants in research participants for the purpose of population health screening. Participant phenotype was not available at the time of variant classification. Additional details can be found in publication PMID: 35346344, PMCID: PMC8962531

Ambry Genetics
Classification: Uncertain significance for Familial thoracic aortic aneurysm and aortic dissection. Last evaluated: 2019-09-24. Review status: criteria provided, single submitter. Criteria: Ambry Variant Classification Scheme 2023. Collection method: clinical testing. Allele origin: germline.
Comment: The p.I547M variant (also known as c.1641C>G), located in coding exon 13 of the FBN1 gene, results from a C to G substitution at nucleotide position 1641. The isoleucine at codon 547 is replaced by methionine, an amino acid with highly similar properties, and is located in the cb EGF-like #04 domain. This amino acid position is not well conserved in available vertebrate species. In addition, this alteration is predicted to be tolerated by in silico analysis. Since supporting evidence is limited at this time, the clinical significance of this alteration remains unclear.

NM_000138.5(FBN1):c.1641C>G (p.Ile547Met)

Gene: FBN1 (fibrillin 1; minus strand). Cytogenetic location: 15q21.1.
Variant type: single nucleotide variant.
Coding change: c.1641C>G on transcript NM_000138.5 (MANE Select); coding-DNA position 1641, C replaced by G.
Protein change: p.Ile547Met; replaces isoleucine 547 with methionine.
Molecular consequence: missense variant.
Genome position (GRCh38, 1-based): chr15:48,510,117, G>C on the plus strand (C>G on the coding strand, the complement: FBN1 is on the minus strand). VCF-style: chr15-48510117-G-C. GRCh37 (hg19) VCF-style: chr15-48802314-G-C.
Other names: c.1641C>G, p.Ile547Met (NM_001406716.1); short protein forms I547M.
Identifiers: ClinVar variation 1777049 (VCV001777049.3), dbSNP rs2141323402, ClinGen allele CA392341182.